The following is an entry in ClinVar:

ClinVar aggregate classification (germline): Uncertain significance. Review status: criteria provided, multiple submitters, no conflicts (2 of 4 stars). 3 submissions from 3 submitters: Uncertain significance (3). Last evaluated 2024-10-08.

Conditions:
Inborn genetic diseases. Identifiers: MedGen C0950123, MeSH D030342.

gnomAD v4.1: 1 of 1,614,070 alleles (0.000062%); no homozygotes.

Submissions (3):

Labcorp Genetics (formerly Invitae), Labcorp
Classification: Uncertain significance. Last evaluated: 2024-10-08. Review status: criteria provided, single submitter. Criteria: Invitae Variant Classification Sherloc (09022015). Collection method: clinical testing. Allele origin: germline.
Comment: This sequence change replaces aspartic acid, which is acidic and polar, with tyrosine, which is neutral and polar, at codon 497 of the PDE6C protein (p.Asp497Tyr). This variant is not present in population databases (gnomAD no frequency). This variant has not been reported in the literature in individuals affected with PDE6C-related conditions. ClinVar contains an entry for this variant (Variation ID: 1423872). Invitae Evidence Modeling of protein sequence and biophysical properties (such as structural, functional, and spatial information, amino acid conservation, physicochemical variation, residue mobility, and thermodynamic stability) indicates that this missense variant is not expected to disrupt PDE6C protein function with a negative predictive value of 95%. In summary, the available evidence is currently insufficient to determine the role of this variant in disease. Therefore, it has been classified as a Variant of Uncertain Significance.

Ambry Genetics
Classification: Uncertain significance for Inborn genetic diseases. Last evaluated: 2024-06-26. Review status: criteria provided, single submitter. Criteria: Ambry Variant Classification Scheme 2023. Collection method: clinical testing. Allele origin: germline.

Blueprint Genetics
Classification: Uncertain significance. Last evaluated: 2019-08-23. Review status: criteria provided, single submitter. Criteria: ACMG Guidelines, 2015. Collection method: clinical testing. Allele origin: germline.

NM_006204.4(PDE6C):c.1489G>T (p.Asp497Tyr)

Gene: PDE6C (phosphodiesterase 6C; plus strand). Cytogenetic location: 10q23.33.
Variant type: single nucleotide variant.
Coding change: c.1489G>T on transcript NM_006204.4 (MANE Select); coding-DNA position 1489, G replaced by T.
Protein change: p.Asp497Tyr; replaces aspartic acid 497 with tyrosine.
Molecular consequence: missense variant.
Genome position (GRCh38, 1-based): chr10:93,640,076, G>T. VCF-style: chr10-93640076-G-T. GRCh37 (hg19) VCF-style: chr10-95399833-G-T.
Other names: c.1489G>T (NM_006204.3); short protein forms D497Y.
Identifiers: ClinVar variation 1423872 (VCV001423872.6), dbSNP rs2134611158, ClinGen allele CA377617280.